The following is an entry in ClinVar:

ClinVar aggregate classification (germline): Uncertain significance (1 of 4 stars; one submission).

Allele frequency attached by ClinVar (database versions not stated): gnomAD 0.00001; TOPMed 0.00001.
gnomAD v4.1: 1 of 1,582,094 alleles (0.000063%); highest among the groups gnomAD compares: Non-Finnish European, 0.000086%; no homozygotes.

Submission:

Labcorp Genetics (formerly Invitae), Labcorp
Classification: Uncertain significance. Last evaluated: 2022-05-08. Review status: criteria provided, single submitter. Criteria: Invitae Variant Classification Sherloc (09022015). Collection method: clinical testing. Allele origin: germline.
Comment: In summary, the available evidence is currently insufficient to determine the role of this variant in disease. Therefore, it has been classified as a Variant of Uncertain Significance. Algorithms developed to predict the effect of missense changes on protein structure and function (SIFT, PolyPhen-2, Align-GVGD) all suggest that this variant is likely to be disruptive. This variant has not been reported in the literature in individuals affected with LRIT3-related conditions. This variant is not present in population databases (gnomAD no frequency). This sequence change replaces serine, which is neutral and polar, with threonine, which is neutral and polar, at codon 311 of the LRIT3 protein (p.Ser311Thr).

NM_198506.5(LRIT3):c.931T>A (p.Ser311Thr)

Gene: LRIT3 (leucine rich repeat, Ig-like and transmembrane domains 3; plus strand). Cytogenetic location: 4q25.
Variant type: single nucleotide variant.
Coding change: c.931T>A on transcript NM_198506.5 (MANE Select); coding-DNA position 931, T replaced by A.
Protein change: p.Ser311Thr; replaces serine 311 with threonine.
Molecular consequence: missense variant.
Genome position (GRCh38, 1-based): chr4:109,869,680, T>A. VCF-style: chr4-109869680-T-A. GRCh37 (hg19) VCF-style: chr4-110790836-T-A.
Other names: short protein forms S311T.
Identifiers: ClinVar variation 1951682 (VCV001951682.4), dbSNP rs1243944055, ClinGen allele CA357868866.